The following is an entry in ClinVar:

NM_001244008.2(KIF1A):c.1316G>A (p.Ser439Asn)

Gene: KIF1A (kinesin family member 1A; minus strand). Cytogenetic location: 2q37.3.
Variant type: single nucleotide variant.
Coding change: c.1316G>A on transcript NM_001244008.2 (MANE Select); coding-DNA position 1316, G replaced by A.
Protein change: p.Ser439Asn; replaces serine 439 with asparagine.
Molecular consequence: missense variant.
Genome position (GRCh38, 1-based): chr2:240,770,996, C>T on the plus strand (G>A on the coding strand, the complement: KIF1A is on the minus strand). VCF-style: chr2-240770996-C-T. GRCh37 (hg19) VCF-style: chr2-241710413-C-T.
Other names: c.1316G>A, p.Ser439Asn (NM_001320705.2, NM_001330289.2, NM_001379638.1); c.1391G>A, p.Ser464Asn (NM_001330290.2, NM_001379631.1, NM_001379634.1 and 2 more transcripts); c.1289G>A, p.Ser430Asn (NM_001379632.1, NM_001379633.1, NM_001379636.1 and 10 more transcripts); c.1364G>A, p.Ser455Asn (NM_001379637.1, NM_001379648.1); short protein forms S455N, S464N, S430N, S439N.
Identifiers: ClinVar variation 4792443 (VCV004792443.1).

ClinVar aggregate classification (germline): Uncertain significance (1 of 4 stars; one submission).

Conditions:
Neuropathy, hereditary sensory, type 2C. Also called: KIF1A-Related HSAN2 (HSAN2C); Hereditary sensory and autonomic neuropathy type IIC. Identifiers: Orphanet 970, MedGen C3280168, MONDO:0013634, OMIM 614213.
Hereditary spastic paraplegia 30. Identifiers: Orphanet 101010, MedGen C5235139, MONDO:0012476.
Intellectual disability, autosomal dominant 9 (NESCAVS). Also called: KIF1A-Related Neurodevelopmental Disorder; NESCAV SYNDROME. Identifiers: Orphanet 662367, MedGen C5393830, MONDO:0013656, OMIM 614255.

Submission:

Labcorp Genetics (formerly Invitae), Labcorp
Classification: Uncertain significance for Hereditary spastic paraplegia 30; Neuropathy, hereditary sensory, type 2C; Intellectual disability, autosomal dominant 9. Last evaluated: 2025-02-19. Review status: criteria provided, single submitter. Criteria: Invitae Variant Classification Sherloc (09022015). Collection method: clinical testing. Allele origin: germline.
Comment: This sequence change replaces serine, which is neutral and polar, with asparagine, which is neutral and polar, at codon 430 of the KIF1A protein (p.Ser430Asn). This variant is not present in population databases (gnomAD no frequency). This variant has not been reported in the literature in individuals affected with KIF1A-related conditions. Invitae Evidence Modeling of protein sequence and biophysical properties (such as structural, functional, and spatial information, amino acid conservation, physicochemical variation, residue mobility, and thermodynamic stability) indicates that this missense variant is expected to disrupt KIF1A protein function with a positive predictive value of 95%. In summary, the available evidence is currently insufficient to determine the role of this variant in disease. Therefore, it has been classified as a Variant of Uncertain Significance.